The following is an entry in ClinVar:

ClinVar aggregate classification (germline): Likely pathogenic (1 of 4 stars; one submission).

Submission:

Dasa
Classification: Likely pathogenic. Last evaluated: 2025-12-05. Review status: criteria provided, single submitter. Criteria: DASA Assertion Criteria. Collection method: clinical testing. Allele origin: germline.
Comment: NM_006502.3(POLH):c.1245-1G>A affects a canonical splice site and is predicted to disrupt normal RNA splicing. Loss of function is an established disease mechanism for POLH-associated disorders. Also, this variant is absent from population databases. Based on the currently available evidence, this variant is classified as likely pathogenic.

NM_006502.3(POLH):c.1245-1G>A

Gene: POLH (DNA polymerase eta; plus strand). Cytogenetic location: 6p21.1.
Variant type: single nucleotide variant.
Coding change: c.1245-1G>A on transcript NM_006502.3 (MANE Select); the canonical splice acceptor site of the intron before coding-DNA position 1245, G replaced by A.
Molecular consequence: splice acceptor variant. On other transcripts: intron variant (1).
Genome position (GRCh38, 1-based): chr6:43,613,659, G>A. VCF-style: chr6-43613659-G-A. GRCh37 (hg19) VCF-style: chr6-43581396-G-A.
Other names: c.1245-72G>A (NM_001291970.2); c.873-1G>A (NM_001291969.2).
Identifiers: ClinVar variation 4886735 (VCV004886735.2).